The following is an entry in ClinVar:

NM_000371.4(TTR):c.210T>A (p.Ser70Arg)

Gene: TTR (transthyretin; plus strand). Cytogenetic location: 18q12.1.
Variant type: single nucleotide variant.
Coding change: c.210T>A on transcript NM_000371.4 (MANE Select); coding-DNA position 210, T replaced by A.
Protein change: p.Ser70Arg; replaces serine 70 with arginine.
Molecular consequence: missense variant.
Genome position (GRCh38, 1-based): chr18:31,595,129, T>A. VCF-style: chr18-31595129-T-A. GRCh37 (hg19) VCF-style: chr18-29175092-T-A.
Other names: short protein forms S70R.
Identifiers: ClinVar variation 36890 (VCV000036890.16), dbSNP rs121918076, ClinGen allele CA260565.
Genomic context (GRCh38, chr18:31,595,129, plus strand): 5'-GCCATTTGTTTCCTCCATGCGTAACTTAATCCAGACTTTCACACCTTATAGGAAAACCAG[T>A]GAGTCTGGAGAGCTGCATGGGCTCACAACTGAGGAGGAATTTGTAGAAGGGATATACAAA-3'
Protein context (NP_000362.1, residues 60-80): TWEPFASGKT[Ser70Arg]ESGELHGLTT

ClinVar aggregate classification (germline): Pathogenic. Review status: criteria provided, multiple submitters, no conflicts (2 of 4 stars). 4 submissions from 4 submitters: Pathogenic (4). Last evaluated 2026-07-01.

Conditions:
Cardiovascular phenotype. Identifiers: MedGen CN230736.
Amyloidosis, hereditary systemic 1 (AMYLD1). Also called: Transthyretin Amyloidosis; Hereditary Transthyretin Amyloidosis; Familial amyloid polyneuropathy; AMYLOID CARDIOMYOPATHY; Hereditary oculoleptomeningeal amyloid angiopathy; Familial Transthyretin Amyloidosis. Identifiers: Orphanet 85447, Orphanet 85451, MedGen C2751492, MONDO:0971004, OMIM 105210.

Allele frequency attached by ClinVar (database versions not stated): TOPMed below 0.00001.

Submissions (4):

Ambry Genetics
Classification: Pathogenic for Cardiovascular phenotype. Last evaluated: 2026-07-01. Review status: criteria provided, single submitter. Criteria: Ambry Variant Classification Scheme 2023. Collection method: clinical testing. Allele origin: germline.
Comment: The c.210T>A (p.S70R) alteration is located in exon 3 (coding exon 3) of the TTR gene. This alteration results from a T to A substitution at nucleotide position 210, causing the serine (S) at amino acid position 70 to be replaced by an arginine (R). This variant was not reported in population-based cohorts in the Genome Aggregation Database (gnomAD). This variant was reported in individual(s) with features consistent with transthyretin-related amyloidosis (Ueno, 1990; Munar-Qu&eacute;s, 2007; Gonz&aacute;lez-Duarte, 2013). Of note, the nucleotide changes observed in these studies, which all result in the same p.S70R amino acid substitution, include c.210T>G, c.208A>C, and c.210T>A, respectively. In one study, three of four individuals from two unrelated families with this mutation were observed to have a mixed neurologic and cardiac phenotype, while one individual had a primarily neurologic phenotype (Rapezzi, 2013). Based on the available evidence, this alteration is classified as pathogenic.

Labcorp Genetics (formerly Invitae), Labcorp
Classification: Pathogenic for Amyloidosis, hereditary systemic 1. Last evaluated: 2025-07-23. Review status: criteria provided, single submitter. Criteria: Invitae Variant Classification Sherloc (09022015). Collection method: clinical testing. Allele origin: germline.
Comment: This sequence change replaces serine, which is neutral and polar, with arginine, which is basic and polar, at codon 70 of the TTR protein (p.Ser70Arg). This variant is not present in population databases (gnomAD no frequency). This missense change has been observed in individuals with transthyretin amyloidosis (PMID: 22745357, 22928869, 23317988, 23713495, 24053266). It is commonly reported in individuals of Mexico ancestry (PMID: 22745357, 22928869, 23317988, 23713495, 24053266). This variant is also known as in other populations (PMID: 22745357, 22928869, 23317988, 23713495, 24053266). ClinVar contains an entry for this variant (Variation ID: 36890). Invitae Evidence Modeling of protein sequence and biophysical properties (such as structural, functional, and spatial information, amino acid conservation, physicochemical variation, residue mobility, and thermodynamic stability) indicates that this missense variant is expected to disrupt TTR protein function with a positive predictive value of 95%. For these reasons, this variant has been classified as Pathogenic.

Athena Diagnostics
Classification: Pathogenic. Last evaluated: 2024-04-22. Review status: criteria provided, single submitter. Criteria: Athena Diagnostics Criteria. Collection method: clinical testing. Allele origin: unknown.
Comment: This variant has not been reported in large, multi-ethnic general populations. This variant has been identified in multiple unrelated individuals with autosomal dominant hereditary transthyretin-related amyloidosis. In some published literature, this variant is referred to as Ser50Arg. Polyphen and MutationTaster predict this amino acid change may be damaging to the protein. At least one other missense variant at this codon is considered to be pathogenic or likely pathogenic, suggesting this variant may also cause disease.

Women's Health and Genetics/Laboratory Corporation of America, LabCorp
Classification: Pathogenic for Amyloidogenic transthyretin amyloidosis. Last evaluated: 2016-07-29. Review status: criteria provided, single submitter. Criteria: LabCorp Variant Classification Summary - May 2015. Collection method: clinical testing. Allele origin: germline.
Comment: Variant summary: The TTR c.210T>A (p.Ser70Arg) variant involves the alteration of a non-conserved nucleotide. Ser70 is located in the Transthyretin/hydroxyisourate hydrolase, superfamily domain and p.Ser70Ile has been classified as pathogenic by our laboratory, indicateing Ser70 is critical for TTR function. 3/4 in silico tools predict a damaging outcome for this variant (SNPs&GO not captured due to low reliability index). This variant is absent in 120430 control chromosomes. This variant has been reported in numerous ATTR patients. In addition, multiple clinical diagnostic laboratories/reputable databases classified this variant as pathogenic. Taken together, this variant is classified as pathogenic.

Literature cited by the submitters: PubMed 2363717 (cited by Ambry Genetics and Women's Health and Genetics/Laboratory Corporation of America, LabCorp); PubMed 17577688 (cited by Ambry Genetics and Women's Health and Genetics/Laboratory Corporation of America, LabCorp); PubMed 22745357 (cited by 3 submitters); PubMed 24053266 (cited by 3 submitters); PubMed 22928869 (cited by 3 submitters); PubMed 23317988 (cited by Labcorp Genetics (formerly Invitae), Labcorp and Athena Diagnostics); PubMed 23713495 (cited by Labcorp Genetics (formerly Invitae), Labcorp and Athena Diagnostics); PubMed 29970125 (cited by Athena Diagnostics); PubMed 17503405 (cited by Athena Diagnostics and Women's Health and Genetics/Laboratory Corporation of America, LabCorp); PubMed 24767411 (cited by Athena Diagnostics); PubMed 12874858 (cited by Athena Diagnostics); PubMed 24650283 (cited by Athena Diagnostics); PubMed 19291509 (cited by Athena Diagnostics); PubMed 21692911 (cited by Athena Diagnostics); PubMed 15123043 (cited by Women's Health and Genetics/Laboratory Corporation of America, LabCorp); PubMed 11940682 (cited by Women's Health and Genetics/Laboratory Corporation of America, LabCorp); PubMed 20686303 (cited by Women's Health and Genetics/Laboratory Corporation of America, LabCorp); PubMed 16357452 (cited by Women's Health and Genetics/Laboratory Corporation of America, LabCorp); PubMed 1335038 (cited by Women's Health and Genetics/Laboratory Corporation of America, LabCorp).